The following is an entry in ClinVar:

ClinVar aggregate classification (germline): Uncertain significance (1 of 4 stars; one submission).

Conditions:
GAPO syndrome. Identifiers: Orphanet 2067, MedGen C0406723, MONDO:0009263, OMIM 230740.

Allele frequency attached by ClinVar (database versions not stated): gnomAD exomes below 0.00001.
gnomAD v4.1: 2 of 1,569,586 alleles (0.00013%); highest among the groups gnomAD compares: Middle Eastern, 0.017%; no homozygotes.

Submission:

Centre for Mendelian Genomics, University Medical Centre Ljubljana
Classification: Uncertain significance for GAPO syndrome. Last evaluated: 2018-12-13. Review status: criteria provided, single submitter. Criteria: ACMG Guidelines, 2015. Collection method: clinical testing. Allele origin: unknown. Affected: yes.
Comment: This variant was classified as: Uncertain significance. The available evidence on this variant's pathogenicity is insufficient or conflicting. The following ACMG criteria were applied in classifying this variant: PM2,PP3.

NM_032208.3(ANTXR1):c.80G>T (p.Gly27Val)

Gene: ANTXR1 (ANTXR cell adhesion molecule 1; plus strand). Cytogenetic location: 2p13.3.
Variant type: single nucleotide variant.
Coding change: c.80G>T on transcript NM_032208.3 (MANE Select); coding-DNA position 80, G replaced by T.
Protein change: p.Gly27Val; replaces glycine 27 with valine.
Molecular consequence: missense variant.
Genome position (GRCh38, 1-based): chr2:69,013,579, G>T. VCF-style: chr2-69013579-G-T. GRCh37 (hg19) VCF-style: chr2-69240711-G-T.
Other names: c.80G>T, p.Gly27Val (NM_018153.3, NM_053034.2); short protein forms G27V.
Identifiers: ClinVar variation 931360 (VCV000931360.3), dbSNP rs1558726190, ClinGen allele CA347107158.
Genomic context (GRCh38, chr2:69,013,579, plus strand): 5'-GAGCCCTCGGCATCGGCTTCCAGTGGCTCTCTTTGGCCACTCTGGTGCTCATCTGCGCCG[G>T]GCAAGGGGGACGCAGGGAGGATGGGGGTCCAGCCTGCTACGGCGGATTTGACCTGTACTT-3'
Protein context (NP_115584.1, residues 17-37): SLATLVLICA[Gly27Val]QGGRREDGGP